The following is an entry in ClinVar:

NC_000006.11:g.(?_108395434)_(108395855_?)del

Gene: OSTM1 (osteoclastogenesis associated transmembrane protein 1; minus strand). Cytogenetic location: 6q21.
Variant type: Deletion.
Identifiers: ClinVar variation 3246215 (VCV003246215.1).

ClinVar aggregate classification (germline): Pathogenic (1 of 4 stars; one submission).

Submission:

Labcorp Genetics (formerly Invitae), Labcorp
Classification: Pathogenic. Last evaluated: 2023-03-03. Review status: criteria provided, single submitter. Criteria: Invitae Variant Classification Sherloc (09022015). Collection method: clinical testing. Allele origin: unknown.
Comment: This variant is a gross deletion of the genomic region encompassing exon(s) 1 of the OSTM1 gene, which includes the initiator codon. This deletion extends beyond the assayed region for this gene and therefore may encompass additional genes. It is expected to result in an absent or disrupted protein product. Loss-of-function variants in OSTM1 are known to be pathogenic (PMID: 12627228, 15108279, 16813530). This variant has not been reported in the literature in individuals affected with OSTM1-related conditions. For these reasons, this variant has been classified as Pathogenic.

Literature cited by the submitters: PubMed 12627228; PubMed 15108279; PubMed 16813530.